The following is an entry in ClinVar:

ClinVar aggregate classification (germline): Uncertain significance. Review status: criteria provided, multiple submitters, no conflicts (2 of 4 stars). 2 submissions from 2 submitters: Uncertain significance (2). Last evaluated 2024-01-15.

Submissions (2):

Labcorp Genetics (formerly Invitae), Labcorp
Classification: Uncertain significance. Last evaluated: 2024-01-15. Review status: criteria provided, single submitter. Criteria: Invitae Variant Classification Sherloc (09022015). Collection method: clinical testing. Allele origin: germline.
Comment: This sequence change replaces aspartic acid, which is acidic and polar, with tyrosine, which is neutral and polar, at codon 85 of the COL9A3 protein (p.Asp85Tyr). This variant is not present in population databases (gnomAD no frequency). This variant has not been reported in the literature in individuals affected with COL9A3-related conditions. ClinVar contains an entry for this variant (Variation ID: 1433140). Experimental studies and prediction algorithms are not available or were not evaluated, and the functional significance of this variant is currently unknown. Algorithms developed to predict the effect of sequence changes on RNA splicing suggest that this variant may disrupt the consensus splice site. In summary, the available evidence is currently insufficient to determine the role of this variant in disease. Therefore, it has been classified as a Variant of Uncertain Significance.

Blueprint Genetics
Classification: Uncertain significance. Last evaluated: 2020-07-30. Review status: criteria provided, single submitter. Criteria: ACMG Guidelines, 2015. Collection method: clinical testing. Allele origin: germline.

NM_001853.4(COL9A3):c.253G>T (p.Asp85Tyr)

Gene: COL9A3 (collagen type IX alpha 3 chain; plus strand). Cytogenetic location: 20q13.33.
Variant type: single nucleotide variant.
Coding change: c.253G>T on transcript NM_001853.4 (MANE Select); coding-DNA position 253, G replaced by T.
Protein change: p.Asp85Tyr; replaces aspartic acid 85 with tyrosine.
Molecular consequence: missense variant.
Genome position (GRCh38, 1-based): chr20:62,819,291, G>T. VCF-style: chr20-62819291-G-T. GRCh37 (hg19) VCF-style: chr20-61450643-G-T.
Other names: short protein forms D85Y.
Identifiers: ClinVar variation 1433140 (VCV001433140.9), dbSNP rs2147196801, ClinGen allele CA409587615.